The following is an entry in ClinVar:

ClinVar aggregate classification (germline): Uncertain significance (1 of 4 stars; one submission).

Conditions:
LAMA2-related muscular dystrophy (LAMA2-RD). Also called: Laminin alpha 2-related dystrophy. Identifiers: MedGen C5679788, MONDO:0100228.

Submission:

Labcorp Genetics (formerly Invitae), Labcorp
Classification: Uncertain significance for LAMA2-related muscular dystrophy. Last evaluated: 2022-06-27. Review status: criteria provided, single submitter. Criteria: Invitae Variant Classification Sherloc (09022015). Collection method: clinical testing. Allele origin: germline.
Comment: This variant is not present in population databases (gnomAD no frequency). This sequence change replaces asparagine, which is neutral and polar, with lysine, which is basic and polar, at codon 1073 of the LAMA2 protein (p.Asn1073Lys). This variant has not been reported in the literature in individuals affected with LAMA2-related conditions. In summary, the available evidence is currently insufficient to determine the role of this variant in disease. Therefore, it has been classified as a Variant of Uncertain Significance. Algorithms developed to predict the effect of sequence changes on RNA splicing suggest that this variant may create or strengthen a splice site. Advanced modeling of protein sequence and biophysical properties (such as structural, functional, and spatial information, amino acid conservation, physicochemical variation, residue mobility, and thermodynamic stability) performed at Invitae indicates that this missense variant is not expected to disrupt LAMA2 protein function. ClinVar contains an entry for this variant (Variation ID: 1044765).

NM_000426.4(LAMA2):c.3219T>G (p.Asn1073Lys)

Gene: LAMA2 (laminin subunit alpha 2; plus strand). Cytogenetic location: 6q22.33.
Variant type: single nucleotide variant.
Coding change: c.3219T>G on transcript NM_000426.4 (MANE Select); coding-DNA position 3219, T replaced by G.
Protein change: p.Asn1073Lys; replaces asparagine 1073 with lysine.
Molecular consequence: missense variant.
Genome position (GRCh38, 1-based): chr6:129,312,905, T>G. VCF-style: chr6-129312905-T-G. GRCh37 (hg19) VCF-style: chr6-129634050-T-G.
Other names: c.3219T>G, p.Asn1073Lys (NM_001079823.2); short protein forms N1073K.
Identifiers: ClinVar variation 1044765 (VCV001044765.11), dbSNP rs756883648, ClinGen allele CA365611725.
Genomic context (GRCh38, chr6:129,312,905, plus strand): 5'-TTTATCTCCTCTATAGGCTTGTAACTGCAGCACAGTGGGATCCTTGGATTTCCAATGCAA[T>G]GTAAATACAGGCCAATGCAACTGTCATCCAAAATTCTCTGGTGCAAAATGTACAGAGTGC-3'
Protein context (NP_000417.3, residues 1063-1083): STVGSLDFQC[Asn1073Lys]VNTGQCNCHP